The following is an entry in ClinVar:

NM_001037333.3(CYFIP2):c.3049G>A (p.Glu1017Lys)

Genes: CYFIP2 (cytoplasmic FMR1 interacting protein 2; plus strand), NIPAL4-DT (NIPAL4 divergent transcript; minus strand). Cytogenetic location: 5q33.3.
Variant type: single nucleotide variant.
Coding change: c.3049G>A on transcript NM_001037333.3 (MANE Select); coding-DNA position 3049, G replaced by A.
Protein change: p.Glu1017Lys; replaces glutamic acid 1017 with lysine.
Molecular consequence: missense variant.
Genome position (GRCh38, 1-based): chr5:157,382,599, G>A. VCF-style: chr5-157382599-G-A. GRCh37 (hg19) VCF-style: chr5-156809607-G-A.
Other names: c.2971G>A, p.Glu991Lys (NM_001291721.2); c.3124G>A, p.Glu1042Lys (NM_001291722.2); c.3049G>A, p.Glu1017Lys (NM_014376.4); short protein forms E1017K, E1042K, E991K.
Identifiers: ClinVar variation 5017716 (VCV005017716.1).
Genomic context (GRCh38, chr5:157,382,599, plus strand): 5'-CCTGGTTTAAAATGAAAATTGTTTTCTCTTTCTTTACCCCCATCTCTGCAGTCTCAGGAG[G>A]AGGTCTGCGATTTGCTCCATGCCGCACCCTTCCAAAACATCTTGCCTAGAGTCTACATCA-3'
Protein context (NP_001032410.1, residues 1007-1027): LLIEQALSQE[Glu1017Lys]VCDLLHAAPF

ClinVar aggregate classification (germline): Uncertain significance (1 of 4 stars; one submission).

Submission:

GeneDx
Classification: Uncertain significance. Last evaluated: 2026-03-27. Review status: criteria provided, single submitter. Criteria: GeneDx Variant Classification Process June 2021. Collection method: clinical testing. Allele origin: germline.
Comment: Not observed at significant frequency in large population cohorts (gnomAD); In silico analysis supports that this missense variant has a deleterious effect on protein structure/function; Has not been previously published as pathogenic or benign to our knowledge